The following is an entry in ClinVar:

NM_001378452.1(ITPR1):c.7403A>T (p.Tyr2468Phe)

Gene: ITPR1 (inositol 1,4,5-trisphosphate receptor type 1; plus strand). Cytogenetic location: 3p26.1.
Variant type: single nucleotide variant.
Coding change: c.7403A>T on transcript NM_001378452.1 (MANE Select); coding-DNA position 7403, A replaced by T.
Protein change: p.Tyr2468Phe; replaces tyrosine 2468 with phenylalanine.
Molecular consequence: missense variant.
Genome position (GRCh38, 1-based): chr3:4,811,395, A>T. VCF-style: chr3-4811395-A-T. GRCh37 (hg19) VCF-style: chr3-4853079-A-T.
Other names: c.7259A>T, p.Tyr2420Phe (NM_001099952.4); c.7358A>T, p.Tyr2453Phe (NM_001168272.2); c.7214A>T, p.Tyr2405Phe (NM_002222.7); short protein forms Y2420F, Y2468F, Y2405F, Y2453F.
Identifiers: ClinVar variation 2105077 (VCV002105077.4), dbSNP rs2470165943, ClinGen allele CA351647749.

ClinVar aggregate classification (germline): Uncertain significance (1 of 4 stars; one submission).

Submission:

Labcorp Genetics (formerly Invitae), Labcorp
Classification: Uncertain significance. Last evaluated: 2022-03-01. Review status: criteria provided, single submitter. Criteria: Invitae Variant Classification Sherloc (09022015). Collection method: clinical testing. Allele origin: germline.
Comment: In summary, the available evidence is currently insufficient to determine the role of this variant in disease. Therefore, it has been classified as a Variant of Uncertain Significance. Algorithms developed to predict the effect of missense changes on protein structure and function are either unavailable or do not agree on the potential impact of this missense change (SIFT: "Deleterious"; PolyPhen-2: "Benign"; Align-GVGD: "Class C0"). This variant has not been reported in the literature in individuals affected with ITPR1-related conditions. This variant is not present in population databases (gnomAD no frequency). This sequence change replaces tyrosine, which is neutral and polar, with phenylalanine, which is neutral and non-polar, at codon 2405 of the ITPR1 protein (p.Tyr2405Phe).